The following is an entry in ClinVar:

ClinVar aggregate classification (germline): Uncertain significance (1 of 4 stars; one submission).

Conditions:
Hereditary cancer-predisposing syndrome. Also called: Neoplastic Syndromes, Hereditary; Tumor predisposition; Hereditary Cancer Syndrome; Hereditary neoplastic syndrome. Identifiers: Orphanet 140162, MedGen C0027672, MeSH D009386, MONDO:0015356.

Submission:

Ambry Genetics
Classification: Uncertain significance for Hereditary cancer-predisposing syndrome. Last evaluated: 2025-10-05. Review status: criteria provided, single submitter. Criteria: Ambry Variant Classification Scheme 2023. Collection method: clinical testing. Allele origin: germline.
Comment: The p.Y831F variant (also known as c.2492A>T), located in coding exon 9 of the BRCA1 gene, results from an A to T substitution at nucleotide position 2492. The tyrosine at codon 831 is replaced by phenylalanine, an amino acid with highly similar properties. This amino acid position is conserved. In addition, this alteration is predicted to be tolerated by in silico analysis. Based on the available evidence, the clinical significance of this variant remains unclear.

NM_007294.4(BRCA1):c.2492A>T (p.Tyr831Phe)

Gene: BRCA1 (BRCA1 DNA repair associated; minus strand). Cytogenetic location: 17q21.31.
Variant type: single nucleotide variant.
Coding change: c.2492A>T on transcript NM_007294.4 (MANE Select); coding-DNA position 2492, A replaced by T.
Protein change: p.Tyr831Phe; replaces tyrosine 831 with phenylalanine.
Molecular consequence: missense variant. On other transcripts: intron variant (137).
Genome position (GRCh38, 1-based): chr17:43,093,039, T>A on the plus strand (A>T on the coding strand, the complement: BRCA1 is on the minus strand). VCF-style: chr17-43093039-T-A. GRCh37 (hg19) VCF-style: chr17-41245056-T-A.
Other names: c.2159A>T, p.Tyr720Phe (NM_001407957.1, NM_001407946.1, NM_001407947.1 and 6 more transcripts); c.2156A>T, p.Tyr719Phe (NM_001407958.1, NM_001407954.1, NM_001407955.1 and 1 more transcripts); c.2111A>T, p.Tyr704Phe (NM_001407959.1, NM_001407960.1, NM_001407963.1); c.2108A>T, p.Tyr703Phe (NM_001407962.1); c.2348A>T, p.Tyr783Phe (NM_001407964.1, NM_001407740.1, NM_001407741.1 and 20 more transcripts); c.1988A>T, p.Tyr663Phe (NM_001407965.1); c.1604A>T, p.Tyr535Phe (NM_001407966.1, NM_001407967.1); c.2351A>T, p.Tyr784Phe (NM_007297.4, NM_001407692.1, NM_001407694.1 and 29 more transcripts); and 41 more; short protein forms Y663F, Y704F, Y719F, Y720F, Y743F, Y760F, Y805F, Y828F.
Identifiers: ClinVar variation 4625148 (VCV004625148.1).